The following is an entry in ClinVar:

ClinVar aggregate classification (germline): Uncertain significance (1 of 4 stars; one submission).

Submission:

Labcorp Genetics (formerly Invitae), Labcorp
Classification: Uncertain significance. Last evaluated: 2023-06-30. Review status: criteria provided, single submitter. Criteria: Invitae Variant Classification Sherloc (09022015). Collection method: clinical testing. Allele origin: germline.
Comment: An algorithm developed to predict the effect of missense changes on protein structure and function (PolyPhen-2) suggests that this variant is likely to be tolerated. This sequence change replaces arginine, which is basic and polar, with lysine, which is basic and polar, at codon 154 of the CWC27 protein (p.Arg154Lys). This variant is not present in population databases (gnomAD no frequency). This variant has not been reported in the literature in individuals affected with CWC27-related conditions. ClinVar contains an entry for this variant (Variation ID: 1995255). In summary, the available evidence is currently insufficient to determine the role of this variant in disease. Therefore, it has been classified as a Variant of Uncertain Significance.

NM_005869.4(CWC27):c.461G>A (p.Arg154Lys)

Gene: CWC27 (CWC27 spliceosome associated cyclophilin; plus strand). Cytogenetic location: 5q12.3.
Variant type: single nucleotide variant.
Coding change: c.461G>A on transcript NM_005869.4 (MANE Select); coding-DNA position 461, G replaced by A.
Protein change: p.Arg154Lys; replaces arginine 154 with lysine.
Molecular consequence: missense variant.
Genome position (GRCh38, 1-based): chr5:64,785,545, G>A. VCF-style: chr5-64785545-G-A. GRCh37 (hg19) VCF-style: chr5-64081372-G-A.
Other names: c.461G>A, p.Arg154Lys (NM_001297644.1, NM_001297645.2, NM_001318000.2 and 1 more transcripts); short protein forms R154K.
Identifiers: ClinVar variation 1995255 (VCV001995255.4), dbSNP rs2531264728, ClinGen allele CA359845436.